The following is an entry in ClinVar:

ClinVar aggregate classification (germline): Uncertain significance (1 of 4 stars; one submission).

Conditions:
CHARGE syndrome (CHARGE). Also called: Hittner Hirsch Kreh syndrome; CHARGE ASSOCIATION--COLOBOMA, HEART ANOMALY, CHOANAL ATRESIA, RETARDATION, GENITAL AND EAR ANOMALIES; Coloboma, heart anomaly, choanal atresia, retardation, genital and ear anomalies; CHARGE association; Hall-Hittner syndrome. Identifiers: Orphanet 138, MedGen C0265354, MONDO:0008965.

Allele frequency attached by ClinVar (database versions not stated): gnomAD exomes 0.00002.
gnomAD v4.1: 22 of 1,611,582 alleles (0.0014%); highest among the groups gnomAD compares: Non-Finnish European, 0.0019%; no homozygotes.

Submission:

Labcorp Genetics (formerly Invitae), Labcorp
Classification: Uncertain significance for CHARGE syndrome. Last evaluated: 2023-08-30. Review status: criteria provided, single submitter. Criteria: Invitae Variant Classification Sherloc (09022015). Collection method: clinical testing. Allele origin: germline.
Comment: ClinVar contains an entry for this variant (Variation ID: 834956). This variant has not been reported in the literature in individuals affected with CHD7-related conditions. This variant is not present in population databases (gnomAD no frequency). This sequence change replaces glycine, which is neutral and non-polar, with serine, which is neutral and polar, at codon 1843 of the CHD7 protein (p.Gly1843Ser). Advanced modeling of protein sequence and biophysical properties (such as structural, functional, and spatial information, amino acid conservation, physicochemical variation, residue mobility, and thermodynamic stability) performed at Invitae indicates that this missense variant is not expected to disrupt CHD7 protein function. In summary, the available evidence is currently insufficient to determine the role of this variant in disease. Therefore, it has been classified as a Variant of Uncertain Significance.

NM_017780.4(CHD7):c.5527G>A (p.Gly1843Ser)

Gene: CHD7 (chromodomain helicase DNA binding protein 7; plus strand). Cytogenetic location: 8q12.2.
Variant type: single nucleotide variant.
Coding change: c.5527G>A on transcript NM_017780.4 (MANE Select); coding-DNA position 5527, G replaced by A.
Protein change: p.Gly1843Ser; replaces glycine 1843 with serine.
Molecular consequence: missense variant. On other transcripts: intron variant (1).
Genome position (GRCh38, 1-based): chr8:60,850,615, G>A. VCF-style: chr8-60850615-G-A. GRCh37 (hg19) VCF-style: chr8-61763174-G-A.
Other names: c.1717-11614G>A (NM_001316690.1); short protein forms G1843S.
Identifiers: ClinVar variation 834956 (VCV000834956.9), dbSNP rs1563657571, ClinGen allele CA371321815.
Genomic context (GRCh38, chr8:60,850,615, plus strand): 5'-ATGCCTGATGCCAAGGCCATAGCTGCCGAGCAAAGAGGAACAGACATGCTAGCAGATGGT[G>A]GTGACGGGTAAGAAGGACATTTTAAAATTTGAATAAACTTTATGTCAGTTTCACATCTAT-3'
Protein context (NP_060250.2, residues 1833-1853): QRGTDMLADG[Gly1843Ser]DGGEFDREDE